The following is an entry in ClinVar:

NM_206933.4(USH2A):c.6488G>A (p.Trp2163Ter)

Gene: USH2A (usherin; minus strand). Cytogenetic location: 1q41.
Variant type: single nucleotide variant.
Coding change: c.6488G>A on transcript NM_206933.4 (MANE Select); coding-DNA position 6488, G replaced by A.
Protein change: p.Trp2163Ter; replaces tryptophan 2163 with a stop codon.
Molecular consequence: nonsense.
Genome position (GRCh38, 1-based): chr1:215,999,056, C>T on the plus strand (G>A on the coding strand, the complement: USH2A is on the minus strand). VCF-style: chr1-215999056-C-T. GRCh37 (hg19) VCF-style: chr1-216172398-C-T.
Other names: c.6488G>A (NM_206933.2); short protein forms W2163*.
Identifiers: ClinVar variation 2202956 (VCV002202956.6), dbSNP rs763389877, ClinGen allele CA1395117.

ClinVar aggregate classification (germline): Pathogenic. Review status: criteria provided, multiple submitters, no conflicts (2 of 4 stars). 3 submissions from 3 submitters: Pathogenic (2). 1 of the submissions does not count toward it. Last evaluated 2024-11-22.

Conditions:
Usher syndrome. Also called: Usher's syndrome; Usher Syndromes. Identifiers: Orphanet 886, MedGen CN469326, MeSH D052245, MONDO:0019501. Disease mechanism: loss of function.
USH2A-related disorder. Also called: USH2A-related condition; USH2A-related disorders. Identifiers: MedGen CN239332.

Allele frequency attached by ClinVar (database versions not stated): gnomAD exomes below 0.00001; ExAC 0.00001.
gnomAD v4.1: 4 of 1,609,826 alleles (0.00025%); highest among the groups gnomAD compares: South Asian, 0.0022%; no homozygotes.

Submissions (3):

Women's Health and Genetics/Laboratory Corporation of America, LabCorp
Classification: Pathogenic for Usher syndrome. Last evaluated: 2024-11-22. Review status: criteria provided, single submitter. Criteria: LabCorp Variant Classification Summary - May 2015. Collection method: clinical testing. Allele origin: germline.
Comment: Variant summary: USH2A c.6488G>A (p.Trp2163X) results in a premature termination codon, predicted to cause a truncation of the encoded protein or absence of the protein due to nonsense mediated decay, which are commonly known mechanisms for disease. The variant allele was found at a frequency of 4e-06 in 249952 control chromosomes. c.6488G>A has been reported in the literature in at-least one individual affected with Usher Syndrome (example: Jiang_2015). The following publication has been ascertained in the context of this evaluation (PMID: 26338283). ClinVar contains an entry for this variant (Variation ID: 2202956). Based on the evidence outlined above, the variant was classified as pathogenic.

Labcorp Genetics (formerly Invitae), Labcorp
Classification: Pathogenic. Last evaluated: 2024-01-31. Review status: criteria provided, single submitter. Criteria: Invitae Variant Classification Sherloc (09022015). Collection method: clinical testing. Allele origin: germline.
Comment: This sequence change creates a premature translational stop signal (p.Trp2163*) in the USH2A gene. It is expected to result in an absent or disrupted protein product. Loss-of-function variants in USH2A are known to be pathogenic (PMID: 10729113, 10909849, 20507924, 25649381). The frequency data for this variant in the population databases is considered unreliable, as metrics indicate poor data quality at this position in the gnomAD database. This premature translational stop signal has been observed in individual(s) with clinical features of Usher syndrome (PMID: 26338283). ClinVar contains an entry for this variant (Variation ID: 2202956). For these reasons, this variant has been classified as Pathogenic.

PreventionGenetics, part of Exact Sciences
Classification: Pathogenic for USH2A-related condition. Last evaluated: 2024-07-29. Review status: no assertion criteria provided. Collection method: clinical testing. Allele origin: germline. Not counted in ClinVar's aggregate classification.
Comment: The USH2A c.6488G>A variant is predicted to result in premature protein termination (p.Trp2163*). This variant has been reported along with a second USH2A variant in an individual with Usher syndrome (Jiang et al. 2015. PubMed ID: 26338283). This variant is reported in 0.0033% of alleles in individuals of South Asian descent in gnomAD. Nonsense variants in USH2A are expected to be pathogenic. This variant is interpreted as pathogenic.

Literature cited by the submitters: PubMed 26338283 (cited by Women's Health and Genetics/Laboratory Corporation of America, LabCorp and Labcorp Genetics (formerly Invitae), Labcorp); PubMed 10729113 (cited by Labcorp Genetics (formerly Invitae), Labcorp); PubMed 10909849 (cited by Labcorp Genetics (formerly Invitae), Labcorp); PubMed 20507924 (cited by Labcorp Genetics (formerly Invitae), Labcorp); PubMed 25649381 (cited by Labcorp Genetics (formerly Invitae), Labcorp).